The following is an entry in ClinVar:

NM_134261.3(RORA):c.1013C>A (p.Ala338Asp)

Genes: RORA (RAR related orphan receptor A; minus strand), RORA-AS1 (RORA antisense RNA 1; plus strand). Cytogenetic location: 15q22.2.
Variant type: single nucleotide variant.
Coding change: c.1013C>A on transcript NM_134261.3 (MANE Select); coding-DNA position 1013, C replaced by A.
Protein change: p.Ala338Asp; replaces alanine 338 with aspartic acid.
Molecular consequence: missense variant.
Genome position (GRCh38, 1-based): chr15:60,503,597, G>T on the plus strand (C>A on the coding strand, the complement: RORA is on the minus strand). VCF-style: chr15-60503597-G-T. GRCh37 (hg19) VCF-style: chr15-60795796-G-T.
Other names: c.1088C>A, p.Ala363Asp (NM_002943.4); c.1112C>A, p.Ala371Asp (NM_134260.3); c.848C>A, p.Ala283Asp (NM_134262.3); short protein forms A283D, A338D, A363D, A371D.
Identifiers: ClinVar variation 3342822 (VCV003342822.2).
Genomic context (GRCh38, chr15:60,503,597, plus strand): 5'-GCTTTTAGAAGCACAATTTGATCATTTTGACACAGTTCCATAAATCCATCAATGCGTTTG[G>T]CAAACTCCACCACATACTGTATAGCTTCTGTAATTTTGATGGCACACAATTGCCACATCA-3'
Protein context (NP_599023.1, residues 328-348): TEAIQYVVEF[Ala338Asp]KRIDGFMELC

ClinVar aggregate classification (germline): Likely pathogenic (1 of 4 stars; one submission).

Submission:

GeneDx
Classification: Likely pathogenic. Last evaluated: 2024-12-10. Review status: criteria provided, single submitter. Criteria: GeneDx Variant Classification Process June 2021. Collection method: clinical testing. Allele origin: germline.
Comment: Not observed at significant frequency in large population cohorts (gnomAD); In silico analysis supports that this missense variant has a deleterious effect on protein structure/function; Has not been previously published as pathogenic or benign to our knowledge